The following is an entry in ClinVar:

ClinVar aggregate classification (germline): Uncertain significance (1 of 4 stars; one submission).

Conditions:
Inborn genetic diseases. Identifiers: MedGen C0950123, MeSH D030342.

gnomAD v4.1: 1 of 1,611,890 alleles (0.000062%); highest among the groups gnomAD compares: Non-Finnish European, 0.000085%; no homozygotes.

Submission:

Ambry Genetics
Classification: Uncertain significance for Inborn genetic diseases. Last evaluated: 2024-12-08. Review status: criteria provided, single submitter. Criteria: Ambry Variant Classification Scheme 2023. Collection method: clinical testing. Allele origin: germline.
Comment: The p.Q991K variant (also known as c.2971C>A), located in coding exon 29 of the RTEL1 gene, results from a C to A substitution at nucleotide position 2971. The glutamine at codon 991 is replaced by lysine, an amino acid with similar properties. This amino acid position is conserved. In addition, this alteration is predicted to be tolerated by in silico analysis. Based on the available evidence, the clinical significance of this variant remains unclear.

NM_001283009.2(RTEL1):c.2971C>A (p.Gln991Lys)

Genes: RTEL1 (regulator of telomere elongation helicase 1; plus strand), RTEL1-TNFRSF6B (RTEL1-TNFRSF6B readthrough (NMD candidate); plus strand). Cytogenetic location: 20q13.33.
Variant type: single nucleotide variant.
Coding change: c.2971C>A on transcript NM_001283009.2 (MANE Select); coding-DNA position 2971, C replaced by A.
Protein change: p.Gln991Lys; replaces glutamine 991 with lysine.
Molecular consequence: missense variant. On other transcripts: non-coding transcript variant (1).
Genome position (GRCh38, 1-based): chr20:63,693,262, C>A. VCF-style: chr20-63693262-C-A. GRCh37 (hg19) VCF-style: chr20-62324615-C-A.
Other names: c.2302C>A, p.Gln768Lys (NM_001283010.1); c.2971C>A, p.Gln991Lys (NM_016434.4); c.3043C>A, p.Gln1015Lys (NM_032957.5); short protein forms Q768K, Q991K, Q1015K.
Identifiers: ClinVar variation 3436037 (VCV003436037.1).